The following is an entry in ClinVar:

ClinVar aggregate classification (germline): Uncertain significance (1 of 4 stars; one submission).

Conditions:
Hereditary spastic paraplegia 11. Also called: Nakamura Osame syndrome; Autosomal recessive hereditary spastic paraplegia, mental impairment, and thin corpus callosum; SPASTIC PARAPLEGIA, AUTOSOMAL RECESSIVE, COMPLICATED, WITH THIN CORPUS CALLOSUM; SPASTIC PARAPLEGIA, AUTOSOMAL RECESSIVE, WITH MENTAL IMPAIRMENT AND THIN CORPUS CALLOSUM; Spastic paraplegia, mental retardation and thin corpus callosum; Spastic Paraplegia 11. Identifiers: Orphanet 2822, MedGen C1858479, MONDO:0011445, OMIM 604360.

Allele frequency attached by ClinVar (database versions not stated): ExAC 0.00001; gnomAD exomes 0.00001.
gnomAD v4.1: 4 of 1,614,090 alleles (0.00025%); highest among the groups gnomAD compares: South Asian, 0.0033%; no homozygotes.

Submission:

Labcorp Genetics (formerly Invitae), Labcorp
Classification: Uncertain significance for Hereditary spastic paraplegia 11. Last evaluated: 2023-07-07. Review status: criteria provided, single submitter. Criteria: Invitae Variant Classification Sherloc (09022015). Collection method: clinical testing. Allele origin: germline.
Comment: In summary, the available evidence is currently insufficient to determine the role of this variant in disease. Therefore, it has been classified as a Variant of Uncertain Significance. This variant has not been reported in the literature in individuals affected with SPG11-related conditions. This variant is present in population databases (rs770707105, gnomAD 0.006%). Advanced modeling of protein sequence and biophysical properties (such as structural, functional, and spatial information, amino acid conservation, physicochemical variation, residue mobility, and thermodynamic stability) performed at Invitae indicates that this missense variant is not expected to disrupt SPG11 protein function. ClinVar contains an entry for this variant (Variation ID: 1397265). This sequence change replaces valine, which is neutral and non-polar, with leucine, which is neutral and non-polar, at codon 1974 of the SPG11 protein (p.Val1974Leu).

NM_025137.4(SPG11):c.5920G>T (p.Val1974Leu)

Gene: SPG11 (SPG11 vesicle trafficking associated, spatacsin; minus strand). Cytogenetic location: 15q21.1.
Variant type: single nucleotide variant.
Coding change: c.5920G>T on transcript NM_025137.4 (MANE Select); coding-DNA position 5920, G replaced by T.
Protein change: p.Val1974Leu; replaces valine 1974 with leucine.
Molecular consequence: missense variant. On other transcripts: intron variant (1).
Genome position (GRCh38, 1-based): chr15:44,574,988, C>A on the plus strand (G>T on the coding strand, the complement: SPG11 is on the minus strand). VCF-style: chr15-44574988-C-A. GRCh37 (hg19) VCF-style: chr15-44867186-C-A.
Other names: c.5867-2168G>T (NM_001160227.2); short protein forms V1974L.
Identifiers: ClinVar variation 1397265 (VCV001397265.6), dbSNP rs770707105, ClinGen allele CA7534306.
Genomic context (GRCh38, chr15:44,574,988, plus strand): 5'-CCTGTCGACAGTAGTTCTTCCCATGGAGGCATTTGCTTGTCAGCACTTCCAGGTTAGTTA[C>A]CACTTCATTACTGGAGGGCACTGTCACAAACTTCTGACTATCCAGACTTGAAGCTGGAAG-3'
Protein context (NP_079413.3, residues 1964-1984): FVTVPSSNEV[Val1974Leu]TNLEVLTSKC